The following is an entry in ClinVar:

NM_001040108.2(MLH3):c.4183C>T (p.His1395Tyr)

Gene: MLH3 (mutL homolog 3; minus strand). Cytogenetic location: 14q24.3.
Variant type: single nucleotide variant.
Coding change: c.4183C>T on transcript NM_001040108.2 (MANE Select); coding-DNA position 4183, C replaced by T.
Protein change: p.His1395Tyr; replaces histidine 1395 with tyrosine.
Molecular consequence: missense variant.
Genome position (GRCh38, 1-based): chr14:75,018,888, G>A on the plus strand (C>T on the coding strand, the complement: MLH3 is on the minus strand). VCF-style: chr14-75018888-G-A. GRCh37 (hg19) VCF-style: chr14-75485591-G-A.
Other names: c.4111C>T, p.His1371Tyr (NM_014381.3); short protein forms H1371Y, H1395Y.
Identifiers: ClinVar variation 4860216 (VCV004860216.1).
Genomic context (GRCh38, chr14:75,018,888, plus strand): 5'-CCTGTTTTTCCTGTTCCAAGTGGTCTATGTCAGCTAACGGCAGCATAGAAGGTCTCCCGT[G>A]AGCACACTGGAATGGCAGCTGGCATGAGGACAGAGCTTCAATAAGGCGGCAACTTTCCTG-3'
Protein context (NP_001035197.1, residues 1385-1405): SSCQLPFQCA[His1395Tyr]GRPSMLPLAD

ClinVar aggregate classification (germline): Uncertain significance (1 of 4 stars; one submission).

Submission:

Ambry Genetics
Classification: Uncertain significance. Last evaluated: 2026-05-23. Review status: criteria provided, single submitter. Criteria: Ambry Variant Classification Scheme 2023. Collection method: clinical testing. Allele origin: germline.
Comment: The p.H1395Y variant (also known as c.4183C>T), located in coding exon 11 of the MLH3 gene, results from a C to T substitution at nucleotide position 4183. The histidine at codon 1395 is replaced by tyrosine, an amino acid with similar properties. This amino acid position is conserved. In addition, this alteration is predicted to be deleterious by in silico analysis. Based on the available evidence, the clinical significance of this variant remains unclear.